The following is an entry in ClinVar:

ClinVar aggregate classification (germline): Likely benign (0 of 4 stars; one submission).

Conditions:
ROBO3-related disorder. Also called: ROBO3-related condition.

Allele frequency attached by ClinVar (database versions not stated): gnomAD exomes 0.00001; ExAC 0.00002; gnomAD 0.00012; TOPMed 0.00019.
gnomAD v4.1: 39 of 1,613,926 alleles (0.0024%); highest among the groups gnomAD compares: Middle Eastern, 0.033%; no homozygotes.

Submission:

PreventionGenetics, part of Exact Sciences
Classification: Likely benign for ROBO3-related condition. Last evaluated: 2019-08-28. Review status: no assertion criteria provided. Collection method: clinical testing. Allele origin: germline.
Comment: This variant is classified as likely benign based on ACMG/AMP sequence variant interpretation guidelines (Richards et al. 2015 PMID: 25741868, with internal and published modifications).

NM_022370.4(ROBO3):c.819C>T (p.Ala273=)

Gene: ROBO3 (roundabout guidance receptor 3; plus strand). Cytogenetic location: 11q24.2.
Variant type: single nucleotide variant.
Coding change: c.819C>T on transcript NM_022370.4 (MANE Select); coding-DNA position 819, C replaced by T.
Protein change: p.Ala273=; no amino-acid change (alanine 273 retained).
Molecular consequence: synonymous variant.
Genome position (GRCh38, 1-based): chr11:124,870,217, C>T. VCF-style: chr11-124870217-C-T. GRCh37 (hg19) VCF-style: chr11-124740113-C-T.
Identifiers: ClinVar variation 3053078 (VCV003053078.2), dbSNP rs746375480, ClinGen allele CA6343305.